The following is an entry in ClinVar:

NM_003579.4(RAD54L):c.1474C>T (p.Pro492Ser)

Gene: RAD54L (RAD54 like; plus strand). Cytogenetic location: 1p34.1.
Variant type: single nucleotide variant.
Coding change: c.1474C>T on transcript NM_003579.4 (MANE Select); coding-DNA position 1474, C replaced by T.
Protein change: p.Pro492Ser; replaces proline 492 with serine.
Molecular consequence: missense variant.
Genome position (GRCh38, 1-based): chr1:46,273,453, C>T. VCF-style: chr1-46273453-C-T. GRCh37 (hg19) VCF-style: chr1-46739125-C-T.
Other names: c.1474C>T, p.Pro492Ser (NM_001142548.2); c.934C>T, p.Pro312Ser (NM_001370766.1); short protein forms P312S, P492S.
Identifiers: ClinVar variation 1773437 (VCV001773437.2), dbSNP rs2525711879, ClinGen allele CA340181286.

ClinVar aggregate classification (germline): Uncertain significance (1 of 4 stars; one submission).

Allele frequency attached by ClinVar (database versions not stated): gnomAD exomes below 0.00001.
gnomAD v4.1: 2 of 1,613,412 alleles (0.00012%); highest among the groups gnomAD compares: Non-Finnish European, 0.000085%; no homozygotes.

Submission:

Ambry Genetics
Classification: Uncertain significance. Last evaluated: 2022-01-18. Review status: criteria provided, single submitter. Criteria: Ambry Variant Classification Scheme 2023. Collection method: clinical testing. Allele origin: germline.
Comment: The p.P492S variant (also known as c.1474C>T), located in coding exon 13 of the RAD54L gene, results from a C to T substitution at nucleotide position 1474. The proline at codon 492 is replaced by serine, an amino acid with similar properties. This amino acid position is conserved. In addition, the in silico prediction for this alteration is inconclusive. Since supporting evidence is limited at this time, the clinical significance of this alteration remains unclear.